The following is an entry in ClinVar:

NM_002976.4(SCN7A):c.122C>A (p.Thr41Asn)

Gene: SCN7A (sodium voltage-gated channel alpha subunit 7; minus strand). Cytogenetic location: 2q24.3.
Variant type: single nucleotide variant.
Coding change: c.122C>A on transcript NM_002976.4 (MANE Select); coding-DNA position 122, C replaced by A.
Protein change: p.Thr41Asn; replaces threonine 41 with asparagine.
Molecular consequence: missense variant. On other transcripts: non-coding transcript variant (1).
Genome position (GRCh38, 1-based): chr2:166,477,575, G>T on the plus strand (C>A on the coding strand, the complement: SCN7A is on the minus strand). VCF-style: chr2-166477575-G-T. GRCh37 (hg19) VCF-style: chr2-167334085-G-T.
Other names: short protein forms T41N.
Identifiers: ClinVar variation 3060194 (VCV003060194.2), dbSNP rs7565062, ClinGen allele CA1946017.

ClinVar aggregate classification (germline): Benign (0 of 4 stars; one submission).

Conditions:
SCN7A-related disorder. Also called: SCN7A-related condition.

Allele frequency attached by ClinVar (database versions not stated): gnomAD exomes 0.68788; 1000 Genomes Project 0.68870; 1000 Genomes Project 30x 0.69238; TOPMed 0.69927; ESP Exome Variant Server 0.70166; ExAC 0.72465.

Submission:

PreventionGenetics, part of Exact Sciences
Classification: Benign for SCN7A-related condition. Last evaluated: 2019-10-17. Review status: no assertion criteria provided. Collection method: clinical testing. Allele origin: germline.
Comment: This variant is classified as benign based on ACMG/AMP sequence variant interpretation guidelines (Richards et al. 2015 PMID: 25741868, with internal and published modifications).